The following is an entry in ClinVar:

ClinVar aggregate classification (germline): Uncertain significance (1 of 4 stars; one submission).

Allele frequency attached by ClinVar (database versions not stated): gnomAD exomes below 0.00001; gnomAD 0.00001; TOPMed 0.00001.
gnomAD v4.1: 3 of 1,608,700 alleles (0.00019%); highest among the groups gnomAD compares: Non-Finnish European, 0.00025%; no homozygotes.

Submission:

Labcorp Genetics (formerly Invitae), Labcorp
Classification: Uncertain significance. Last evaluated: 2022-03-25. Review status: criteria provided, single submitter. Criteria: Invitae Variant Classification Sherloc (09022015). Collection method: clinical testing. Allele origin: germline.
Comment: In summary, the available evidence is currently insufficient to determine the role of this variant in disease. Therefore, it has been classified as a Variant of Uncertain Significance. Algorithms developed to predict the effect of missense changes on protein structure and function output the following: SIFT: "Tolerated"; PolyPhen-2: "Benign"; Align-GVGD: "Class C0". The asparagine amino acid residue is found in multiple mammalian species, which suggests that this missense change does not adversely affect protein function. This variant has not been reported in the literature in individuals affected with CDHR1-related conditions. This variant is not present in population databases (gnomAD no frequency). This sequence change replaces aspartic acid, which is acidic and polar, with asparagine, which is neutral and polar, at codon 147 of the CDHR1 protein (p.Asp147Asn).

NM_033100.4(CDHR1):c.439G>A (p.Asp147Asn)

Gene: CDHR1 (cadherin related family member 1; plus strand). Cytogenetic location: 10q23.1.
Variant type: single nucleotide variant.
Coding change: c.439G>A on transcript NM_033100.4 (MANE Select); coding-DNA position 439, G replaced by A.
Protein change: p.Asp147Asn; replaces aspartic acid 147 with asparagine.
Molecular consequence: missense variant.
Genome position (GRCh38, 1-based): chr10:84,200,601, G>A. VCF-style: chr10-84200601-G-A. GRCh37 (hg19) VCF-style: chr10-85960357-G-A.
Other names: c.439G>A, p.Asp147Asn (NM_001171971.3); short protein forms D147N.
Identifiers: ClinVar variation 2114493 (VCV002114493.4), dbSNP rs1842106227, ClinGen allele CA377371409.